The following is an entry in ClinVar:

NM_004415.4(DSP):c.3919G>A (p.Ala1307Thr)

Gene: DSP (desmoplakin; plus strand). Cytogenetic location: 6p24.3.
Variant type: single nucleotide variant.
Coding change: c.3919G>A on transcript NM_004415.4 (MANE Select); coding-DNA position 3919, G replaced by A.
Protein change: p.Ala1307Thr; replaces alanine 1307 with threonine.
Molecular consequence: missense variant. On other transcripts: intron variant (1).
Genome position (GRCh38, 1-based): chr6:7,580,109, G>A. VCF-style: chr6-7580109-G-A. GRCh37 (hg19) VCF-style: chr6-7580342-G-A.
Other names: c.3919G>A, p.Ala1307Thr (NM_001319034.2); c.3582+337G>A (NM_001008844.3); c.3919G>A (NM_004415.3); short protein forms A1307T.
Identifiers: ClinVar variation 922898 (VCV000922898.14), dbSNP rs367579811, ClinGen allele CA039587.

ClinVar aggregate classification (germline): Conflicting classifications of pathogenicity. Review status: criteria provided, conflicting classifications (1 of 4 stars). 5 submissions from 5 submitters: Uncertain significance (4); Likely benign (1). Last evaluated 2025-12-28.

Conditions:
Cardiovascular phenotype. Identifiers: MedGen CN230736.
Arrhythmogenic cardiomyopathy with wooly hair and keratoderma. Also called: PALMOPLANTAR KERATODERMA WITH LEFT VENTRICULAR CARDIOMYOPATHY AND WOOLLY HAIR; Carvajal syndrome; Dilated cardiomyopathy with woolly hair and keratoderma; Arrhythmogenic cardiomyopathy with woolly hair and keratoderma. Identifiers: Orphanet 65282, MedGen C1854063, MONDO:0011581, OMIM 605676.
Arrhythmogenic right ventricular dysplasia 8 (ARVD8). Also called: Arrhythmogenic Right Ventricular Dysplasia/Cardiomyopathy 8; ARRHYTHMOGENIC RIGHT VENTRICULAR CARDIOMYOPATHY 8; ARRHYTHMOGENIC RIGHT VENTRICULAR DYSPLASIA, FAMILIAL, 8. Identifiers: MedGen C1843896, MONDO:0011831, OMIM 607450.
DSP-related disorder. Also called: DSP-related condition; DSP-related disorders.
Cardiomyopathy (CMYO). Also called: Cardiomyopathies. Identifiers: Orphanet 167848, MedGen C0878544, MONDO:0004994, HP:0001638. Inheritance: Various modes of inheritance.

Allele frequency attached by ClinVar (database versions not stated): gnomAD 0.00001; gnomAD exomes 0.00001 and 0.00002; ExAC 0.00002; TOPMed 0.00003; ESP Exome Variant Server 0.00008.
gnomAD v4.1: 33 of 1,613,940 alleles (0.002%); highest among the groups gnomAD compares: Non-Finnish European, 0.0028%; no homozygotes.

Submissions (5):

PreventionGenetics, part of Exact Sciences
Classification: Uncertain significance for DSP-related condition. Last evaluated: 2025-12-28. Review status: criteria provided, single submitter. Criteria: ACMG Guidelines, 2015. Collection method: clinical testing. Allele origin: germline.
Comment: The DSP c.3919G>A variant is predicted to result in the amino acid substitution p.Ala1307Thr. To our knowledge, this variant has not been reported in the literature. This variant is reported in 0.0027% of alleles in individuals of European (Non-Finnish) descent in gnomAD. At this time, the clinical significance of this variant is uncertain due to the absence of conclusive functional and genetic evidence.

Labcorp Genetics (formerly Invitae), Labcorp
Classification: Likely benign for Arrhythmogenic cardiomyopathy with wooly hair and keratoderma; Arrhythmogenic right ventricular dysplasia 8. Last evaluated: 2025-07-29. Review status: criteria provided, single submitter. Criteria: Invitae Variant Classification Sherloc (09022015). Collection method: clinical testing. Allele origin: germline.

Color Diagnostics, LLC DBA Color Health
Classification: Uncertain significance for Cardiomyopathy. Last evaluated: 2024-03-06. Review status: criteria provided, single submitter. Criteria: ACMG Guidelines, 2015. Collection method: clinical testing. Allele origin: germline.
Comment: This missense variant replaces alanine with threonine at codon 1307 of the DSP protein. Computational prediction suggests that this variant may not impact protein structure and function (internally defined REVEL score threshold <= 0.5, PMID: 27666373). To our knowledge, functional studies have not been reported for this variant. This variant has not been reported in individuals affected with cardiovascular disorders in the literature. This variant has been identified in 3/250714 chromosomes in the general population by the Genome Aggregation Database (gnomAD). The available evidence is insufficient to determine the role of this variant in disease conclusively. Therefore, this variant is classified as a Variant of Uncertain Significance.

Ambry Genetics
Classification: Uncertain significance for Cardiovascular phenotype. Last evaluated: 2024-02-26. Review status: criteria provided, single submitter. Criteria: Ambry Variant Classification Scheme 2023. Collection method: clinical testing. Allele origin: germline.
Comment: The p.A1307T variant (also known as c.3919G>A), located in coding exon 23 of the DSP gene, results from a G to A substitution at nucleotide position 3919. The alanine at codon 1307 is replaced by threonine, an amino acid with similar properties. This amino acid position is conserved. In addition, this alteration is predicted to be tolerated by in silico analysis. Since supporting evidence is limited at this time, the clinical significance of this alteration remains unclear.

All of Us Research Program, National Institutes of Health
Classification: Uncertain significance for Arrhythmogenic cardiomyopathy with wooly hair and keratoderma. Last evaluated: 2023-10-06. Review status: criteria provided, single submitter. Criteria: ACMG Guidelines, 2015. Collection method: clinical testing. Allele origin: germline. Inheritance: Autosomal dominant inheritance. Observed: 4 variant alleles, 4 heterozygotes.
Comment: This missense variant replaces alanine with threonine at codon 1307 of the DSP protein. Computational prediction suggests that this variant may not impact protein structure and function (internally defined REVEL score threshold <= 0.5, PMID: 27666373). To our knowledge, functional studies have not been reported for this variant. This variant has not been reported in individuals affected with cardiovascular disorders in the literature. This variant has been identified in 3/250714 chromosomes in the general population by the Genome Aggregation Database (gnomAD). The available evidence is insufficient to determine the role of this variant in disease conclusively. Therefore, this variant is classified as a Variant of Uncertain Significance.

This study involves interpretation of variants in research participants for the purpose of population health screening. Participant phenotype was not available at the time of variant classification. Additional details can be found in publication PMID: 35346344, PMCID: PMC8962531